The following is an entry in ClinVar:

ClinVar aggregate classification (germline): Benign. Review status: criteria provided, multiple submitters, no conflicts (2 of 4 stars). 4 submissions from 4 submitters: Benign (3). 1 of the submissions does not count toward it. Last evaluated 2018-06-26.

Allele frequency attached by ClinVar (database versions not stated): ExAC 0.88413; gnomAD exomes 0.89614 and 0.91526; 1000 Genomes Project 30x 0.75703; TOPMed 0.75933; 1000 Genomes Project 0.76458; gnomAD 0.76925 and 0.77939; ESP Exome Variant Server 0.77126.
gnomAD v4.1: 1,351,275 of 1,500,250 alleles (90%); highest among the groups gnomAD compares: East Asian, 95%; 618,300 homozygotes.

Submissions (4):

GeneDx
Classification: Benign. Last evaluated: 2018-06-26. Review status: criteria provided, single submitter. Criteria: GeneDx Variant Classification Process June 2021. Collection method: clinical testing. Allele origin: germline. Affected: yes.

Breakthrough Genomics
Classification: Benign. Review status: criteria provided, single submitter. Criteria: ACMG Guidelines, 2015. Collection method: not provided. Allele origin: germline. Inheritance: Autosomal recessive inheritance. Affected: yes.

PreventionGenetics, part of Exact Sciences
Classification: Benign. Review status: criteria provided, single submitter. Criteria: ACMG Guidelines, 2015. Collection method: clinical testing. Allele origin: germline.

Genetic Services Laboratory, University of Chicago
Classification: Likely benign for AllHighlyPenetrant. Review status: no assertion criteria provided. Collection method: clinical testing. Allele origin: germline. Inheritance: Autosomal recessive inheritance. Observed: 344 variant alleles. Not counted in ClinVar's aggregate classification.
Comment: Likely benign based on allele frequency in 1000 Genomes Project or ESP global frequency and its presence in a patient with a rare or unrelated disease phenotype. NOT Sanger confirmed.

NM_025114.4(CEP290):c.5227-43G>A

Gene: CEP290 (centrosomal protein 290; minus strand). Cytogenetic location: 12q21.32.
Variant type: single nucleotide variant.
Coding change: c.5227-43G>A on transcript NM_025114.4 (MANE Select); 43 bases into the intron before coding-DNA position 5227, G replaced by A.
Molecular consequence: intron variant.
Genome position (GRCh38, 1-based): chr12:88,079,272, C>T on the plus strand (G>A on the coding strand, the complement: CEP290 is on the minus strand). VCF-style: chr12-88079272-C-T. GRCh37 (hg19) VCF-style: chr12-88473049-C-T.
Identifiers: ClinVar variation 126261 (VCV000126261.10), dbSNP rs2468245, ClinGen allele CA150914.